The following is an entry in ClinVar:

NM_005491.5(MAMLD1):c.1604A>T (p.Glu535Val)

Gene: MAMLD1 (mastermind like domain containing 1; plus strand). Cytogenetic location: Xq28.
Variant type: single nucleotide variant.
Coding change: c.1604A>T on transcript NM_005491.5 (MANE Select); coding-DNA position 1604, A replaced by T.
Protein change: p.Glu535Val; replaces glutamic acid 535 with valine.
Molecular consequence: missense variant.
Genome position (GRCh38, 1-based): chrX:150,471,177, A>T. VCF-style: chrX-150471177-A-T. GRCh37 (hg19) VCF-style: chrX-149639449-A-T.
Other names: c.1529A>T, p.Glu510Val (NM_001177465.3, NM_001177466.3, NM_001400514.1); c.1604A>T, p.Glu535Val (NM_001400512.1, NM_001400513.1, NM_001400515.1); short protein forms E510V, E535V.
Identifiers: ClinVar variation 4975793 (VCV004975793.1).

ClinVar aggregate classification (germline): Uncertain significance (1 of 4 stars; one submission).

gnomAD v4.1: 4 of 1,209,968 alleles (0.00033%); highest among the groups gnomAD compares: African/African-American, 0.007%; no homozygotes.

Submission:

GeneDx
Classification: Uncertain significance. Last evaluated: 2026-01-27. Review status: criteria provided, single submitter. Criteria: GeneDx Variant Classification Process June 2021. Collection method: clinical testing. Allele origin: germline.
Comment: In silico analysis supports that this missense variant has a deleterious effect on protein structure/function; Has not been previously published as pathogenic or benign to our knowledge